The following is an entry in ClinVar:

ClinVar aggregate classification (germline): Pathogenic (1 of 4 stars; one submission).

Conditions:
Hypertrophic cardiomyopathy. Also called: HYPERTROPHIC MYOCARDIOPATHY. Identifiers: Orphanet 217569, MedGen C0007194, MeSH D002312, MONDO:0005045, HP:0001639.

Submission:

Labcorp Genetics (formerly Invitae), Labcorp
Classification: Pathogenic for Hypertrophic cardiomyopathy. Last evaluated: 2025-07-27. Review status: criteria provided, single submitter. Criteria: Invitae Variant Classification Sherloc (09022015). Collection method: clinical testing. Allele origin: germline.
Comment: This sequence change replaces leucine, which is neutral and non-polar, with phenylalanine, which is neutral and non-polar, at codon 185 of the TPM1 protein (p.Leu185Phe). This variant is not present in population databases (gnomAD no frequency). This missense change has been observed in individual(s) with dilated cardiomyopathy (PMID: 33019804). It has also been observed to segregate with disease in related individuals. This variant is also known as p.Leu227Phe/c.679C>T. An algorithm developed to predict the effect of missense changes on protein structure and function (PolyPhen-2) suggests that this variant is likely to be disruptive. For these reasons, this variant has been classified as Pathogenic.

Literature cited by the submitters: PubMed 33019804.

NM_001018005.2(TPM1):c.553C>T (p.Leu185Phe)

Gene: TPM1 (tropomyosin 1; plus strand). Cytogenetic location: 15q22.2.
Variant type: single nucleotide variant.
Coding change: c.553C>T on transcript NM_001018005.2 (MANE Select); coding-DNA position 553, C replaced by T.
Protein change: p.Leu185Phe; replaces leucine 185 with phenylalanine.
Molecular consequence: missense variant. On other transcripts: non-coding transcript variant (17).
Genome position (GRCh38, 1-based): chr15:63,060,929, C>T. VCF-style: chr15-63060929-C-T. GRCh37 (hg19) VCF-style: chr15-63353128-C-T.
Other names: c.445C>T, p.Leu149Phe (NM_001365780.1, NM_001365781.2, NM_001365782.1 and 9 more transcripts); c.679C>T, p.Leu227Phe (NM_001407322.1, NM_001407323.1, NM_001407324.1 and 1 more transcripts); c.553C>T, p.Leu185Phe (NM_001407325.1, NM_001407326.1, NM_001407327.1 and 20 more transcripts); short protein forms L185F, L149F, L227F.
Identifiers: ClinVar variation 4763869 (VCV004763869.1).